The following is an entry in ClinVar:

ClinVar aggregate classification (germline): Likely benign (0 of 4 stars; one submission).

Conditions:
HK2-related disorder. Also called: HK2-related condition.

Allele frequency attached by ClinVar (database versions not stated): TOPMed 0.00510; ESP Exome Variant Server 0.00584; 1000 Genomes Project 0.00519; gnomAD 0.00557; 1000 Genomes Project 30x 0.00531; ExAC 0.00645.
gnomAD v4.1: 12,871 of 1,614,152 alleles (0.8%); highest among the groups gnomAD compares: South Asian, 1.8%; 108 homozygotes.

Submission:

PreventionGenetics, part of Exact Sciences
Classification: Likely benign for HK2-related condition. Last evaluated: 2019-02-27. Review status: no assertion criteria provided. Collection method: clinical testing. Allele origin: germline.
Comment: This variant is classified as likely benign based on ACMG/AMP sequence variant interpretation guidelines (Richards et al. 2015 PMID: 25741868, with internal and published modifications).

NM_000189.5(HK2):c.993C>T (p.Thr331=)

Gene: HK2 (hexokinase 2; plus strand). Cytogenetic location: 2p12.
Variant type: single nucleotide variant.
Coding change: c.993C>T on transcript NM_000189.5 (MANE Select); coding-DNA position 993, C replaced by T.
Protein change: p.Thr331=; no amino-acid change (threonine 331 retained).
Molecular consequence: synonymous variant.
Genome position (GRCh38, 1-based): chr2:74,877,283, C>T. VCF-style: chr2-74877283-C-T. GRCh37 (hg19) VCF-style: chr2-75104410-C-T.
Other names: c.909C>T, p.Thr303= (NM_001371525.2).
Identifiers: ClinVar variation 3039056 (VCV003039056.2), dbSNP rs61751209, ClinGen allele CA1731275.